The following is an entry in ClinVar:

NM_001378743.1(CYLD):c.176G>A (p.Arg59Lys)

Gene: CYLD (CYLD lysine 63 deubiquitinase; plus strand). Cytogenetic location: 16q12.1.
Variant type: single nucleotide variant.
Coding change: c.176G>A on transcript NM_001378743.1 (MANE Select); coding-DNA position 176, G replaced by A.
Protein change: p.Arg59Lys; replaces arginine 59 with lysine.
Molecular consequence: missense variant. On other transcripts: 5 prime UTR variant (2), non-coding transcript variant (1).
Genome position (GRCh38, 1-based): chr16:50,749,874, G>A. VCF-style: chr16-50749874-G-A. GRCh37 (hg19) VCF-style: chr16-50783785-G-A.
Other names: c.176G>A, p.Arg59Lys (NM_001042355.2, NM_001042412.3, NM_001378744.1 and 10 more transcripts); c.-487G>A (NM_001378754.1, NM_001378755.1); short protein forms R59K.
Identifiers: ClinVar variation 2413090 (VCV002413090.3), dbSNP rs2506778799, ClinGen allele CA395880192.
Genomic context (GRCh38, chr16:50,749,874, plus strand): 5'-TTAAAGTACCGAAGGGAAGTATAGGACAGTATATTCAAGATCGTTCTGTGGGGCATTCAA[G>A]GATTCCTTCTGCAAAAGGCAAGAAAAATCAGATTGGATTAAAAATTCTAGAGCAACCTCA-3'
Protein context (NP_001365672.1, residues 49-69): YIQDRSVGHS[Arg59Lys]IPSAKGKKNQ

ClinVar aggregate classification (germline): Uncertain significance (1 of 4 stars; one submission).

Submission:

GeneDx
Classification: Uncertain significance. Last evaluated: 2022-07-27. Review status: criteria provided, single submitter. Criteria: GeneDx Variant Classification Process June 2021. Collection method: clinical testing. Allele origin: germline. Affected: yes.
Comment: Not observed at significant frequency in large population cohorts (gnomAD); In silico analysis supports that this missense variant does not alter protein structure/function; Has not been previously published as pathogenic or benign to our knowledge